The following is an entry in ClinVar:

ClinVar aggregate classification (germline): Uncertain significance (1 of 4 stars; one submission).

Conditions:
Neuropathy, hereditary sensory and autonomic, type 1C. Also called: HSAN IC; HSN IC. Identifiers: Orphanet 36386, MedGen C3150896, MONDO:0013337, OMIM 613640.

Allele frequency attached by ClinVar (database versions not stated): gnomAD exomes below 0.00001.

Submission:

Labcorp Genetics (formerly Invitae), Labcorp
Classification: Uncertain significance for Neuropathy, hereditary sensory and autonomic, type 1C. Last evaluated: 2022-09-07. Review status: criteria provided, single submitter. Criteria: Invitae Variant Classification Sherloc (09022015). Collection method: clinical testing. Allele origin: germline.
Comment: In summary, the available evidence is currently insufficient to determine the role of this variant in disease. Therefore, it has been classified as a Variant of Uncertain Significance. Algorithms developed to predict the effect of missense changes on protein structure and function output the following: SIFT: "Tolerated"; PolyPhen-2: "Benign"; Align-GVGD: "Class C0". The arginine amino acid residue is found in multiple mammalian species, which suggests that this missense change does not adversely affect protein function. This variant has not been reported in the literature in individuals affected with SPTLC2-related conditions. This variant is present in population databases (no rsID available, gnomAD 0.006%). This sequence change replaces lysine, which is basic and polar, with arginine, which is basic and polar, at codon 161 of the SPTLC2 protein (p.Lys161Arg).

NM_004863.4(SPTLC2):c.482A>G (p.Lys161Arg)

Gene: SPTLC2 (serine palmitoyltransferase long chain base subunit 2; minus strand). Cytogenetic location: 14q24.3.
Variant type: single nucleotide variant.
Coding change: c.482A>G on transcript NM_004863.4 (MANE Select); coding-DNA position 482, A replaced by G.
Protein change: p.Lys161Arg; replaces lysine 161 with arginine.
Molecular consequence: missense variant.
Genome position (GRCh38, 1-based): chr14:77,578,955, T>C on the plus strand (A>G on the coding strand, the complement: SPTLC2 is on the minus strand). VCF-style: chr14-77578955-T-C. GRCh37 (hg19) VCF-style: chr14-78045298-T-C.
Other names: short protein forms K161R.
Identifiers: ClinVar variation 2174899 (VCV002174899.4), dbSNP rs1019458204, ClinGen allele CA263842120.